The following is an entry in ClinVar:

ClinVar aggregate classification (germline): Uncertain significance (1 of 4 stars; one submission).

Conditions:
Microcephaly, normal intelligence and immunodeficiency (NBS). Also called: Nijmegen breakage syndrome; Microcephaly with normal intelligence immunodeficiency and lymphoreticular malignancies; Nonsyndromal microcephaly autosomal recessive with normal intelligence; Seemanova syndrome 2; BERLIN BREAKAGE SYNDROME; IMMUNODEFICIENCY, MICROCEPHALY, AND CHROMOSOMAL INSTABILITY. Identifiers: Orphanet 647, MedGen C0398791, MONDO:0009623, OMIM 251260.

Submission:

Labcorp Genetics (formerly Invitae), Labcorp
Classification: Uncertain significance for Microcephaly, normal intelligence and immunodeficiency. Last evaluated: 2023-05-26. Review status: criteria provided, single submitter. Criteria: Invitae Variant Classification Sherloc (09022015). Collection method: clinical testing. Allele origin: germline.
Comment: In summary, the available evidence is currently insufficient to determine the role of this variant in disease. Therefore, it has been classified as a Variant of Uncertain Significance. An algorithm developed to predict the effect of missense changes on protein structure and function (PolyPhen-2) suggests that this variant is likely to be disruptive. This variant has not been reported in the literature in individuals affected with NBN-related conditions. This variant is not present in population databases (gnomAD no frequency). This sequence change replaces alanine, which is neutral and non-polar, with glutamic acid, which is acidic and polar, at codon 313 of the NBN protein (p.Ala313Glu).

NM_002485.5(NBN):c.938C>A (p.Ala313Glu)

Gene: NBN (nibrin; minus strand). Cytogenetic location: 8q21.3.
Variant type: single nucleotide variant.
Coding change: c.938C>A on transcript NM_002485.5 (MANE Select); coding-DNA position 938, C replaced by A.
Protein change: p.Ala313Glu; replaces alanine 313 with glutamic acid.
Molecular consequence: missense variant.
Genome position (GRCh38, 1-based): chr8:89,964,466, G>T on the plus strand (C>A on the coding strand, the complement: NBN is on the minus strand). VCF-style: chr8-89964466-G-T. GRCh37 (hg19) VCF-style: chr8-90976694-G-T.
Other names: c.692C>A, p.Ala231Glu (NM_001024688.3); short protein forms A313E, A231E.
Identifiers: ClinVar variation 2693549 (VCV002693549.3), dbSNP rs730881862, ClinGen allele CA371657018.
Genomic context (GRCh38, chr8:89,964,466, plus strand): 5'-TTACCTGTACTGGGATGGCCCTGAGGATCACAGTAATTCTTTGTAGTCATGAAAATCACC[G>T]CCAATCCAATTTCTGCTTCAGGAATAGGTCTAAGACCTTGCCTATTAGAATAAAATAGTT-3'
Protein context (NP_002476.2, residues 303-323): RPIPEAEIGL[Ala313Glu]VIFMTTKNYC